The following is an entry in ClinVar:

ClinVar aggregate classification (germline): Uncertain significance. Review status: criteria provided, multiple submitters, no conflicts (2 of 4 stars). 3 submissions from 3 submitters: Uncertain significance (3). Last evaluated 2023-09-11.

Conditions:
Familial sleep-related hypermotor epilepsy. Also called: Autosomal Dominant Sleep-Related Hypermotor (Hyperkinetic) Epilepsy. Identifiers: Orphanet 98784, MedGen C3696898, MONDO:0000030.
Autosomal dominant nocturnal frontal lobe epilepsy 4. Also called: EPILEPSY, FAMILIAL, WITH NOCTURNAL WANDERING AND ICTAL FEAR; CHRNA2-Related Nocturnal Frontal Lobe Epilepsy, Autosomal Dominant. Identifiers: Orphanet 98784, MedGen C1835905, MONDO:0012474, OMIM 610353.

Allele frequency attached by ClinVar (database versions not stated): gnomAD 0.00001.
gnomAD v4.1: 19 of 1,613,686 alleles (0.0012%); highest among the groups gnomAD compares: East Asian, 0.022%; no homozygotes.

Submissions (3):

GeneDx
Classification: Uncertain significance. Last evaluated: 2023-09-11. Review status: criteria provided, single submitter. Criteria: GeneDx Variant Classification Process June 2021. Collection method: clinical testing. Allele origin: germline. Affected: yes.
Comment: In silico analysis supports that this missense variant has a deleterious effect on protein structure/function; Has not been previously published as pathogenic or benign in association with neurodevelopmental disorders to our knowledge; This variant is associated with the following publications: (PMID: 25450229)

Labcorp Genetics (formerly Invitae), Labcorp
Classification: Uncertain significance. Last evaluated: 2022-12-29. Review status: criteria provided, single submitter. Criteria: Invitae Variant Classification Sherloc (09022015). Collection method: clinical testing. Allele origin: germline.
Comment: Advanced modeling of protein sequence and biophysical properties (such as structural, functional, and spatial information, amino acid conservation, physicochemical variation, residue mobility, and thermodynamic stability) performed at Invitae indicates that this missense variant is not expected to disrupt CHRNA2 protein function. In summary, the available evidence is currently insufficient to determine the role of this variant in disease. Therefore, it has been classified as a Variant of Uncertain Significance. ClinVar contains an entry for this variant (Variation ID: 1036915). This variant has not been reported in the literature in individuals affected with CHRNA2-related conditions. This variant is present in population databases (rs752422797, gnomAD 0.006%). This sequence change replaces arginine, which is basic and polar, with leucine, which is neutral and non-polar, at codon 121 of the CHRNA2 protein (p.Arg121Leu).

New York Genome Center
Classification: Uncertain significance for Autosomal dominant nocturnal frontal lobe epilepsy 4. Last evaluated: 2021-06-21. Review status: criteria provided, single submitter. Criteria: NYGC Assertion Criteria 2020. Collection method: clinical testing. Allele origin: germline. Observed: 1 heterozygote. Study: CSER-NYCKidSeq.
Comment: The heterozygous c.362G>T (p.Arg121Leu) missense variant identified in the CHRNA2 gene has not been reported in the literature in individuals affected with epilepsy. The variant has 0.000006570 allele frequency in the gnomAD(v3) database (1 out of 152196 heterozygous alleles, no homozygotes)suggesting it is not a common benign variant in the populations represented in that database. The variant has been reported in ClinVar as a variant of uncertain significance [Variation ID: 1036915]. The variant is predicted deleterious by multiple in silico prediction tools (CADD score = 20.7, REVEL score = 0.512). Based on the available evidence, the heterozygous c.362G>T (p.Arg121Leu) missense variant identified in the CHRNA2 gene is reported as a variant of uncertain significance.

NM_000742.4(CHRNA2):c.362G>T (p.Arg121Leu)

Gene: CHRNA2 (cholinergic receptor nicotinic alpha 2 subunit; minus strand). Cytogenetic location: 8p21.2.
Variant type: single nucleotide variant.
Coding change: c.362G>T on transcript NM_000742.4 (MANE Select); coding-DNA position 362, G replaced by T.
Protein change: p.Arg121Leu; replaces arginine 121 with leucine.
Molecular consequence: missense variant. On other transcripts: 5 prime UTR variant (4).
Genome position (GRCh38, 1-based): chr8:27,467,316, C>A on the plus strand (G>T on the coding strand, the complement: CHRNA2 is on the minus strand). VCF-style: chr8-27467316-C-A. GRCh37 (hg19) VCF-style: chr8-27324833-C-A.
Other names: c.362G>T (NM_000742.3); c.317G>T, p.Arg106Leu (NM_001282455.2); c.-111G>T (NM_001347705.2, NM_001347706.2); c.-97G>T (NM_001347707.2); c.-100G>T (NM_001347708.2); short protein forms R121L, R106L.
Identifiers: ClinVar variation 1036915 (VCV001036915.9), dbSNP rs752422797, ClinGen allele CA4689686.